The following is an entry in ClinVar:

NM_000218.3(KCNQ1):c.1394-21448T>A

Genes: KCNQ1 (potassium voltage-gated channel subfamily Q member 1; plus strand), KCNQ1OT1 (KCNQ1 opposite strand/antisense transcript 1; minus strand). Cytogenetic location: 11p15.5.
Variant type: single nucleotide variant.
Coding change: c.1394-21448T>A on transcript NM_000218.3 (MANE Select); 21448 bases into the intron before coding-DNA position 1394, T replaced by A.
Molecular consequence: intron variant. On other transcripts: non-coding transcript variant (1).
Genome position (GRCh38, 1-based): chr11:2,640,513, T>A. VCF-style: chr11-2640513-T-A. GRCh37 (hg19) VCF-style: chr11-2661743-T-A.
Other names: c.1124-21448T>A (NM_001406837.1); c.1298-21448T>A (NM_001406836.1); c.854-21448T>A (NM_001406838.1); c.1013-21448T>A (NM_181798.2).
Identifiers: ClinVar variation 2641408 (VCV002641408.24), dbSNP rs561169787, ClinGen allele CA216153869.

ClinVar aggregate classification (germline): Benign (1 of 4 stars; one submission).

Allele frequency attached by ClinVar (database versions not stated): gnomAD 0.00006; gnomAD exomes 0.00006; TOPMed 0.00009; 1000 Genomes Project 0.00020; 1000 Genomes Project 30x 0.00047.
gnomAD v4.1: 22 of 397,942 alleles (0.0055%); highest among the groups gnomAD compares: East Asian, 0.078%; no homozygotes.

Submission:

CeGaT Center for Human Genetics Tuebingen
Classification: Benign. Last evaluated: 2023-09-01. Review status: criteria provided, single submitter. Criteria: CeGaT Center For Human Genetics Tuebingen Variant Classification Criteria Version 2. Collection method: clinical testing. Allele origin: germline. Affected: yes. Observed: 1 variant allele.
Comment: KCNQ1OT1: BS1, BS2